The following is an entry in ClinVar:

ClinVar aggregate classification (germline): Uncertain significance (1 of 4 stars; one submission).

Submission:

GeneDx
Classification: Uncertain significance. Last evaluated: 2025-04-23. Review status: criteria provided, single submitter. Criteria: GeneDx Variant Classification Process June 2021. Collection method: clinical testing. Allele origin: germline. Affected: yes.
Comment: Not observed at significant frequency in large population cohorts (gnomAD); In silico analysis indicates that this missense variant does not alter protein structure/function; Has not been previously published as pathogenic or benign to our knowledge; Also known as p.(T4113I)

NM_000384.3(APOB):c.12419C>T (p.Thr4140Ile)

Gene: APOB (apolipoprotein B; minus strand). Cytogenetic location: 2p24.1.
Variant type: single nucleotide variant.
Coding change: c.12419C>T on transcript NM_000384.3 (MANE Select); coding-DNA position 12419, C replaced by T.
Protein change: p.Thr4140Ile; replaces threonine 4140 with isoleucine.
Molecular consequence: missense variant.
Genome position (GRCh38, 1-based): chr2:21,003,003, G>A on the plus strand (C>T on the coding strand, the complement: APOB is on the minus strand). VCF-style: chr2-21003003-G-A. GRCh37 (hg19) VCF-style: chr2-21225875-G-A.
Other names: short protein forms T4140I.
Identifiers: ClinVar variation 4527312 (VCV004527312.1).